The following is an entry in ClinVar:

NM_001329630.2(PLEKHA7):c.3747C>G (p.Ser1249=)

Gene: PLEKHA7 (pleckstrin homology domain containing A7; minus strand). Cytogenetic location: 11p15.2.
Variant type: single nucleotide variant.
Coding change: c.3747C>G on transcript NM_001329630.2 (MANE Select); coding-DNA position 3747, C replaced by G.
Protein change: p.Ser1249=; no amino-acid change (serine 1249 retained).
Molecular consequence: synonymous variant.
Genome position (GRCh38, 1-based): chr11:16,782,800, G>C on the plus strand (C>G on the coding strand, the complement: PLEKHA7 is on the minus strand). VCF-style: chr11-16782800-G-C. GRCh37 (hg19) VCF-style: chr11-16804347-G-C.
Other names: c.3750C>G, p.Ser1250= (NM_001410960.1).
Identifiers: ClinVar variation 4979604 (VCV004979604.1).

ClinVar aggregate classification (germline): Likely benign (1 of 4 stars; one submission).

Conditions:
PLEKHA7-related disorder. Also called: PLEKHA7-related condition.

gnomAD v4.1: 6 of 1,536,046 alleles (0.00039%); highest among the groups gnomAD compares: Admixed American, 0.012%; no homozygotes.

Submission:

PreventionGenetics, part of Exact Sciences
Classification: Likely benign for PLEKHA7-related condition. Last evaluated: 2025-09-03. Review status: criteria provided, single submitter. Criteria: ACMG Guidelines, 2015. Collection method: clinical testing. Allele origin: germline.
Comment: This variant is classified as likely benign based on ACMG/AMP sequence variant interpretation guidelines (Richards et al. 2015 PMID: 25741868, with internal and published modifications).